The following is an entry in ClinVar:

NM_004369.4(COL6A3):c.7290T>A (p.Asn2430Lys)

Gene: COL6A3 (collagen type VI alpha 3 chain; minus strand). Cytogenetic location: 2q37.3.
Variant type: single nucleotide variant.
Coding change: c.7290T>A on transcript NM_004369.4 (MANE Select); coding-DNA position 7290, T replaced by A.
Protein change: p.Asn2430Lys; replaces asparagine 2430 with lysine.
Molecular consequence: missense variant.
Genome position (GRCh38, 1-based): chr2:237,344,728, A>T on the plus strand (T>A on the coding strand, the complement: COL6A3 is on the minus strand). VCF-style: chr2-237344728-A-T. GRCh37 (hg19) VCF-style: chr2-238253371-A-T.
Other names: c.5469T>A, p.Asn1823Lys (NM_057166.5); c.6672T>A, p.Asn2224Lys (NM_057167.4); short protein forms N1823K, N2224K, N2430K.
Identifiers: ClinVar variation 3372183 (VCV003372183.1).
Genomic context (GRCh38, chr2:237,344,728, plus strand): 5'-GTAGGTGACCACAGCCACCCGGGCCCCCCGTGGGCAGTTGCTCTCAGCAATGGTCAGGTC[A>T]TTCACAATACTCAAGACCACATCTCGCATCCGGCCGAAAGTGTCTTGGTTGACTCCCTCA-3'
Protein context (NP_004360.2, residues 2420-2440): RMRDVVLSIV[Asn2430Lys]DLTIAESNCP

ClinVar aggregate classification (germline): Uncertain significance (1 of 4 stars; one submission).

gnomAD v4.1: 1 of 1,604,398 alleles (0.000062%); highest among the groups gnomAD compares: Non-Finnish European, 0.000085%; no homozygotes.

Submission:

GeneDx
Classification: Uncertain significance. Last evaluated: 2024-04-16. Review status: criteria provided, single submitter. Criteria: GeneDx Variant Classification Process June 2021. Collection method: clinical testing. Allele origin: germline. Affected: yes.
Comment: Not observed at significant frequency in large population cohorts (gnomAD); In silico analysis supports that this missense variant has a deleterious effect on protein structure/function; Has not been previously published as pathogenic or benign to our knowledge